The following is an entry in ClinVar:

ClinVar aggregate classification (germline): Conflicting classifications of pathogenicity. Review status: criteria provided, conflicting classifications (1 of 4 stars). 2 submissions from 2 submitters: Uncertain significance (1); Likely benign (1). Last evaluated 2025-09-24.

Conditions:
Inborn genetic diseases. Identifiers: MedGen C0950123, MeSH D030342.

Allele frequency attached by ClinVar (database versions not stated): gnomAD exomes below 0.00001; TOPMed 0.00001.
gnomAD v4.1: 4 of 1,614,010 alleles (0.00025%); highest among the groups gnomAD compares: East Asian, 0.0089%; no homozygotes.

Submissions (2):

Labcorp Genetics (formerly Invitae), Labcorp
Classification: Uncertain significance. Last evaluated: 2025-09-24. Review status: criteria provided, single submitter. Criteria: Invitae Variant Classification Sherloc (09022015). Collection method: clinical testing. Allele origin: germline.
Comment: This sequence change replaces threonine, which is neutral and polar, with isoleucine, which is neutral and non-polar, at codon 1384 of the SMARCA2 protein (p.Thr1384Ile). This variant is present in population databases (no rsID available, gnomAD 0.02%). This variant has not been reported in the literature in individuals affected with SMARCA2-related conditions. ClinVar contains an entry for this variant (Variation ID: 2533581). Invitae Evidence Modeling of protein sequence and biophysical properties (such as structural, functional, and spatial information, amino acid conservation, physicochemical variation, residue mobility, and thermodynamic stability) indicates that this missense variant is not expected to disrupt SMARCA2 protein function with a negative predictive value of 80%. In summary, the available evidence is currently insufficient to determine the role of this variant in disease. Therefore, it has been classified as a Variant of Uncertain Significance.

Ambry Genetics
Classification: Likely benign for Inborn genetic diseases. Last evaluated: 2023-04-05. Review status: criteria provided, single submitter. Criteria: Ambry Variant Classification Scheme 2023. Collection method: clinical testing. Allele origin: germline.

NM_003070.5(SMARCA2):c.4151C>T (p.Thr1384Ile)

Gene: SMARCA2 (SWI/SNF related BAF chromatin remodeling complex subunit ATPase 2; plus strand). Cytogenetic location: 9p24.3.
Variant type: single nucleotide variant.
Coding change: c.4151C>T on transcript NM_003070.5 (MANE Select); coding-DNA position 4151, C replaced by T.
Protein change: p.Thr1384Ile; replaces threonine 1384 with isoleucine.
Molecular consequence: missense variant.
Genome position (GRCh38, 1-based): chr9:2,161,855, C>T. VCF-style: chr9-2161855-C-T. GRCh37 (hg19) VCF-style: chr9-2161855-C-T.
Other names: c.4151C>T, p.Thr1384Ile (NM_001289396.2, NM_139045.4); c.3977C>T, p.Thr1326Ile (NM_001289397.2); c.179C>T, p.Thr60Ile (NM_001289398.2); c.263C>T, p.Thr88Ile (NM_001289399.2); c.269C>T, p.Thr90Ile (NM_001289400.2); short protein forms T1326I, T60I, T90I, T1384I, T88I.
Identifiers: ClinVar variation 2533581 (VCV002533581.3), dbSNP rs1369538932, ClinGen allele CA372787031.
Genomic context (GRCh38, chr9:2,161,855, plus strand): 5'-CTAAGAAGAGAAGAGGCCGCCCTCCCGCTGAGAAACTGTCACCAAATCCCCCCAAACTGA[C>T]AAAGCAGATGAACGCTATCATCGATACTGTGATAAACTACAAAGATAGGTGAGTGTTTGG-3'
Protein context (NP_003061.3, residues 1374-1394): EKLSPNPPKL[Thr1384Ile]KQMNAIIDTV